The following is an entry in ClinVar:

ClinVar aggregate classification (germline): Uncertain significance (1 of 4 stars; one submission).

Conditions:
Duchenne muscular dystrophy (DMD). Also called: MUSCULAR DYSTROPHY, PSEUDOHYPERTROPHIC PROGRESSIVE, DUCHENNE TYPE; Duchenne Muscular Dystrophy (DMD). Identifiers: Orphanet 98896, MedGen C0013264, MONDO:0010679, OMIM 310200.

gnomAD v4.1: 2 of 1,207,653 alleles (0.00017%); highest among the groups gnomAD compares: African/African-American, 0.0035%; no homozygotes.

Submission:

Labcorp Genetics (formerly Invitae), Labcorp
Classification: Uncertain significance for Duchenne muscular dystrophy. Last evaluated: 2025-11-01. Review status: criteria provided, single submitter. Criteria: Invitae Variant Classification Sherloc (09022015). Collection method: clinical testing. Allele origin: germline.
Comment: This sequence change replaces glutamic acid, which is acidic and polar, with aspartic acid, which is acidic and polar, at codon 1082 of the DMD protein (p.Glu1082Asp). This variant is present in population databases (rs768977119, gnomAD 0.008%). This variant has not been reported in the literature in individuals affected with DMD-related conditions. Invitae Evidence Modeling of protein sequence and biophysical properties (such as structural, functional, and spatial information, amino acid conservation, physicochemical variation, residue mobility, and thermodynamic stability) indicates that this missense variant is not expected to disrupt DMD protein function with a negative predictive value of 95%. In summary, the available evidence is currently insufficient to determine the role of this variant in disease. Therefore, it has been classified as a Variant of Uncertain Significance.

NM_004006.3(DMD):c.3246A>T (p.Glu1082Asp)

Gene: DMD (dystrophin; minus strand). Cytogenetic location: Xp21.1.
Variant type: single nucleotide variant.
Coding change: c.3246A>T on transcript NM_004006.3 (MANE Select); coding-DNA position 3246, A replaced by T.
Protein change: p.Glu1082Asp; replaces glutamic acid 1082 with aspartic acid.
Molecular consequence: missense variant.
Genome position (GRCh38, 1-based): chrX:32,464,616, T>A on the plus strand (A>T on the coding strand, the complement: DMD is on the minus strand). VCF-style: chrX-32464616-T-A. GRCh37 (hg19) VCF-style: chrX-32482733-T-A.
Other names: c.3222A>T, p.Glu1074Asp (NM_000109.4); c.3234A>T, p.Glu1078Asp (NM_004009.3); c.2877A>T, p.Glu959Asp (NM_004010.3); short protein forms E1078D, E1082D, E1074D, E959D.
Identifiers: ClinVar variation 4761519 (VCV004761519.1).